The following is an entry in ClinVar:

NM_006440.5(TXNRD2):c.77_83dup (p.Ala30fs)

Genes: TXNRD2 (thioredoxin reductase 2; minus strand), LOC130066960 (ATAC-STARR-seq lymphoblastoid silent region 13467; plus strand). Cytogenetic location: 22q11.21.
Variant type: Duplication.
Coding change: c.77_83dup on transcript NM_006440.5 (MANE Select); coding-DNA positions 77 to 83, 7 bases duplicated (TGCGGGG; older notation c.77_83dupTGCGGGG).
Protein change: p.Ala30fs; shifts the reading frame from alanine 30.
Molecular consequence: frameshift variant. On other transcripts: non-coding transcript variant (1).
Genome position (GRCh38, 1-based): chr22:19,941,721-19,941,727, CCCCGCA duplicated on the plus strand (TGCGGGG on the coding strand, the reverse complement: TXNRD2 is on the minus strand); duplicating any 7 consecutive bases within chr22:19,941,721-19,941,733 gives the same sequence; the c. name uses the placement nearest the transcript's 3' end. VCF-style (leftmost placement, unchanged base first): chr22-19941720-G-GCCCCGCA. GRCh37 (hg19) VCF-style: chr22-19929243-G-GCCCCGCA.
Other names: c.77_83dup, p.Ala30fs (NM_001282512.3, NM_001352300.2); short protein forms A30fs.
Identifiers: ClinVar variation 943569 (VCV000943569.11), dbSNP rs1162449700, ClinGen allele CA751471922.

ClinVar aggregate classification (germline): Uncertain significance. Review status: criteria provided, multiple submitters, no conflicts (2 of 4 stars). 2 submissions from 2 submitters: Uncertain significance (2). Last evaluated 2025-10-02.

Conditions:
Primary dilated cardiomyopathy (DCM). Also called: Dilated Cardiomyopathy. Identifiers: Orphanet 217604, MedGen C0007193, MeSH D002311, MONDO:0005021, HP:0001644. Inheritance: Various modes of inheritance.
Cardiovascular phenotype. Identifiers: MedGen CN230736.

Submissions (2):

Ambry Genetics
Classification: Uncertain significance for Cardiovascular phenotype. Last evaluated: 2025-10-02. Review status: criteria provided, single submitter. Criteria: Ambry Variant Classification Scheme 2023. Collection method: clinical testing. Allele origin: germline.
Comment: The c.77_83dupTGCGGGG variant, located in coding exon 1 of the TXNRD2 gene, results from a duplication of TGCGGGG at nucleotide position 77, causing a translational frameshift with a predicted alternate stop codon (p.A30Gfs). The exact length of the frameshifted region is unclear, as the first few potential stop codons encountered in the shifted frame are TGAs, which could instead encode for selenocysteines in the context of this selenocysteine-containing protein (Gonzalez-Flores JN et al. Biomol Concepts, 2013 Aug;4:349-65). The evidence for this gene-disease relationship is limited; therefore, the clinical significance of this alteration is unclear.

Labcorp Genetics (formerly Invitae), Labcorp
Classification: Uncertain significance for Primary dilated cardiomyopathy. Last evaluated: 2022-03-13. Review status: criteria provided, single submitter. Criteria: Invitae Variant Classification Sherloc (09022015). Collection method: clinical testing. Allele origin: germline.
Comment: This sequence change creates a premature translational stop signal (p.Ala30Glyfs*14) in the TXNRD2 gene. It is expected to result in an absent or disrupted protein product. However, the current clinical and genetic evidence is not sufficient to establish whether loss-of-function variants in TXNRD2 cause disease. This variant is not present in population databases (gnomAD no frequency). This variant has not been reported in the literature in individuals affected with TXNRD2-related conditions. ClinVar contains an entry for this variant (Variation ID: 943569). In summary, the available evidence is currently insufficient to determine the role of this variant in disease. Therefore, it has been classified as a Variant of Uncertain Significance. Algorithms developed to predict the effect of sequence changes on RNA splicing suggest that this variant may create or strengthen a splice site.